The following is an entry in ClinVar:

ClinVar aggregate classification (germline): Uncertain significance. Review status: criteria provided, multiple submitters, no conflicts (2 of 4 stars). 2 submissions from 2 submitters: Uncertain significance (2). Last evaluated 2024-03-06.

Conditions:
Sialic acid storage disease, severe infantile type (ISSD). Also called: INFANTILE SIALIC ACID STORAGE DISORDER; N-ACETYLNEURAMINIC ACID STORAGE DISEASE; NANA STORAGE DISEASE; SIALURIA, INFANTILE FORM; Infantile Sialic Acid Storage Disease; Free sialic acid storage disease, infantile form. Identifiers: Orphanet 309324, Orphanet 834, MedGen C1096902, MONDO:0010027, OMIM 269920.
Salla disease (SD). Also called: Sialuria, Finnish type; N-acetylneuraminic acid (NANA) storage disease (NSD); Infantile sialic acid storage disorder (ISSD); Less Severe FSASD (Salla Disease). Identifiers: Orphanet 309334, Orphanet 834, MedGen C1096903, MONDO:0011449, OMIM 604369.

Allele frequency attached by ClinVar (database versions not stated): ExAC 0.00002; TOPMed 0.00003; gnomAD 0.00004; gnomAD exomes 0.00012.
gnomAD v4.1: 177 of 1,613,928 alleles (0.011%); highest among the groups gnomAD compares: South Asian, 0.015%; 1 homozygote.

Submissions (2):

Fulgent Genetics
Classification: Uncertain significance for Sialic acid storage disease, severe infantile type; Salla disease. Last evaluated: 2024-03-06. Review status: criteria provided, single submitter. Criteria: ACMG Guidelines, 2015. Collection method: clinical testing. Allele origin: germline.

Labcorp Genetics (formerly Invitae), Labcorp
Classification: Uncertain significance for Salla disease. Last evaluated: 2022-07-15. Review status: criteria provided, single submitter. Criteria: Invitae Variant Classification Sherloc (09022015). Collection method: clinical testing. Allele origin: germline.
Comment: This sequence change replaces valine, which is neutral and non-polar, with methionine, which is neutral and non-polar, at codon 459 of the SLC17A5 protein (p.Val459Met). This variant is present in population databases (rs555461560, gnomAD 0.01%). This variant has not been reported in the literature in individuals affected with SLC17A5-related conditions. Algorithms developed to predict the effect of missense changes on protein structure and function are either unavailable or do not agree on the potential impact of this missense change (SIFT: "Deleterious"; PolyPhen-2: "Probably Damaging"; Align-GVGD: "Class C0"). In summary, the available evidence is currently insufficient to determine the role of this variant in disease. Therefore, it has been classified as a Variant of Uncertain Significance.

NM_012434.5(SLC17A5):c.1375G>A (p.Val459Met)

Gene: SLC17A5 (solute carrier family 17 member 5; minus strand). Cytogenetic location: 6q13.
Variant type: single nucleotide variant.
Coding change: c.1375G>A on transcript NM_012434.5 (MANE Select); coding-DNA position 1375, G replaced by A.
Protein change: p.Val459Met; replaces valine 459 with methionine.
Molecular consequence: missense variant. On other transcripts: synonymous variant (2).
Genome position (GRCh38, 1-based): chr6:73,595,190, C>T on the plus strand (G>A on the coding strand, the complement: SLC17A5 is on the minus strand). VCF-style: chr6-73595190-C-T. GRCh37 (hg19) VCF-style: chr6-74304913-C-T.
Other names: c.1144G>A, p.Val382Met (NM_001382629.1); c.1284G>A, p.Pro428= (NM_001382630.1); c.1396G>A, p.Val466Met (NM_001382631.1); c.1288G>A, p.Val430Met (NM_001382632.1); c.1473G>A, p.Pro491= (NM_001382633.1); c.1216G>A, p.Val406Met (NM_001382634.1); c.1372G>A, p.Val458Met (NM_001382635.1); c.1057G>A, p.Val353Met (NM_001382636.1); short protein forms V353M, V382M, V459M, V406M, V458M, V430M, V466M.
Identifiers: ClinVar variation 2049797 (VCV002049797.2), dbSNP rs555461560, ClinGen allele CA3890266.